The following is an entry in ClinVar:

NM_000321.3(RB1):c.1194_1201del (p.Glu398fs)

Gene: RB1 (RB transcriptional corepressor 1; plus strand). Cytogenetic location: 13q14.2.
Variant type: Deletion.
Coding change: c.1194_1201del on transcript NM_000321.3 (MANE Select); coding-DNA positions 1194 to 1201, 8 bases deleted (AAATCTGA; older notation c.1194_1201delAAATCTGA).
Protein change: p.Glu398fs; shifts the reading frame from glutamic acid 398.
Molecular consequence: frameshift variant.
Genome position (GRCh38, 1-based): chr13:48,373,471-48,373,478, AAATCTGA deleted; deleting any 8 consecutive bases within chr13:48,373,469-48,373,478 gives the same sequence; the c. name uses the placement nearest the transcript's 3' end. VCF-style (leftmost placement, unchanged base first): chr13-48373468-AGAAAATCT-A. GRCh37 (hg19) VCF-style: chr13-48947604-AGAAAATCT-A.
Other names: c.1194_1201del, p.Glu398fs (NM_001407165.1, NM_001407166.1); c.1194_1201delAAATCTGA (NM_000321.3); short protein forms E398fs.
Identifiers: ClinVar variation 3384172 (VCV003384172.1).

ClinVar aggregate classification (germline): Pathogenic (0 of 4 stars; one submission).

Conditions:
Retinoblastoma (RB1). Also called: RETINOBLASTOMA, SOMATIC. Identifiers: Orphanet 790, MedGen C0035335, MeSH D012175, MONDO:0008380, OMIM 180200, HP:0009919. Disease mechanism: loss of function. Inheritance: Both sporadic and heritable forms are tested..

Submission:

Clinical Genetics and Genomics Laboratory, Noor Shahriyar Hospital
Classification: Pathogenic for Retinoblastoma. Last evaluated: 2016-12-12. Review status: no assertion criteria provided. Collection method: clinical testing. Allele origin: germline. Affected: yes.
Comment: The NM_000321 c.1194_1201delAAATCTGA, is a nonsense variant in RB1 which is predicted to result in a premature stop codon at position 403, and likely results in an absent or disrupted protein product (PVS1).

Variant c.1194_1201delAAATCTGA (in RB1 gene) was first seen in persian population with Retinoblastoma (PMID: 27983729)

Literature cited by the submitters: PubMed 27983729.